The following is an entry in ClinVar:

NM_005502.4(ABCA1):c.6598C>T (p.Arg2200Ter)

Genes: ABCA1 (ATP binding cassette subfamily A member 1; minus strand), NIPSNAP3B (nipsnap homolog 3B; plus strand). Cytogenetic location: 9q31.1.
Variant type: single nucleotide variant.
Coding change: c.6598C>T on transcript NM_005502.4 (MANE Select); coding-DNA position 6598, C replaced by T.
Protein change: p.Arg2200Ter; replaces arginine 2200 with a stop codon.
Molecular consequence: nonsense.
Genome position (GRCh38, 1-based): chr9:104,785,443, G>A on the plus strand (C>T on the coding strand, the complement: ABCA1 is on the minus strand). VCF-style: chr9-104785443-G-A. GRCh37 (hg19) VCF-style: chr9-107547724-G-A.
Other names: short protein forms R2200*.
Identifiers: ClinVar variation 3720890 (VCV003720890.2), dbSNP rs755264102.

ClinVar aggregate classification (germline): Pathogenic (1 of 4 stars; one submission).

gnomAD v4.1: 4 of 1,613,890 alleles (0.00025%); highest among the groups gnomAD compares: Non-Finnish European, 0.00034%; no homozygotes.

Submission:

Labcorp Genetics (formerly Invitae), Labcorp
Classification: Pathogenic. Last evaluated: 2024-08-29. Review status: criteria provided, single submitter. Criteria: Invitae Variant Classification Sherloc (09022015). Collection method: clinical testing. Allele origin: germline.
Comment: This sequence change creates a premature translational stop signal (p.Arg2200*) in the ABCA1 gene. It is expected to result in an absent or disrupted protein product. Loss-of-function variants in ABCA1 are known to be pathogenic (PMID: 10525055, 10760292, 20880529). This variant is present in population databases (rs755264102, gnomAD 0.0009%). This premature translational stop signal has been observed in individual(s) with Tangier disease (PMID: 26749169). For these reasons, this variant has been classified as Pathogenic.

Literature cited by the submitters: PubMed 10525055; PubMed 10760292; PubMed 20880529; PubMed 26749169.